The following is an entry in ClinVar:

ClinVar aggregate classification (germline): Uncertain significance. Review status: criteria provided, multiple submitters, no conflicts (2 of 4 stars). 2 submissions from 2 submitters: Uncertain significance (2). Last evaluated 2024-12-09.

Conditions:
Fucosidosis. Also called: ALPHA-L-FUCOSIDASE DEFICIENCY. Identifiers: Orphanet 349, MedGen C0016788, MONDO:0009254, OMIM 230000.

Allele frequency attached by ClinVar (database versions not stated): gnomAD exomes 0.00004; ExAC 0.00005; gnomAD 0.00006; TOPMed 0.00008; ESP Exome Variant Server 0.00015.
gnomAD v4.1: 28 of 1,613,906 alleles (0.0017%); highest among the groups gnomAD compares: African/African-American, 0.019%; no homozygotes.

Submissions (2):

Labcorp Genetics (formerly Invitae), Labcorp
Classification: Uncertain significance for Fucosidosis. Last evaluated: 2024-12-09. Review status: criteria provided, single submitter. Criteria: Invitae Variant Classification Sherloc (09022015). Collection method: clinical testing. Allele origin: germline.
Comment: This sequence change replaces arginine, which is basic and polar, with histidine, which is basic and polar, at codon 308 of the FUCA1 protein (p.Arg308His). This variant is present in population databases (rs372537257, gnomAD 0.03%). This variant has not been reported in the literature in individuals affected with FUCA1-related conditions. ClinVar contains an entry for this variant (Variation ID: 587455). Invitae Evidence Modeling of protein sequence and biophysical properties (such as structural, functional, and spatial information, amino acid conservation, physicochemical variation, residue mobility, and thermodynamic stability) indicates that this missense variant is not expected to disrupt FUCA1 protein function with a negative predictive value of 95%. In summary, the available evidence is currently insufficient to determine the role of this variant in disease. Therefore, it has been classified as a Variant of Uncertain Significance.

Genomic Research Center, Shahid Beheshti University of Medical Sciences
Classification: Uncertain significance for Fucosidosis. Last evaluated: 2018-08-07. Review status: criteria provided, single submitter. Criteria: ACMG Guidelines, 2015. Collection method: clinical testing. Allele origin: inherited. Affected: yes. Observed: 1 variant allele.

NM_000147.5(FUCA1):c.923G>A (p.Arg308His)

Gene: FUCA1 (alpha-L-fucosidase 1; minus strand). Cytogenetic location: 1p36.11.
Variant type: single nucleotide variant.
Coding change: c.923G>A on transcript NM_000147.5 (MANE Select); coding-DNA position 923, G replaced by A.
Protein change: p.Arg308His; replaces arginine 308 with histidine.
Molecular consequence: missense variant.
Genome position (GRCh38, 1-based): chr1:23,854,406, C>T on the plus strand (G>A on the coding strand, the complement: FUCA1 is on the minus strand). VCF-style: chr1-23854406-C-T. GRCh37 (hg19) VCF-style: chr1-24180896-C-T.
Other names: short protein forms R308H.
Identifiers: ClinVar variation 587455 (VCV000587455.11), dbSNP rs372537257, ClinGen allele CA686426.